The following is an entry in ClinVar:

NM_138927.4(SON):c.6122C>T (p.Ser2041Phe)

Gene: SON (SON DNA and RNA binding protein; plus strand). Cytogenetic location: 21q22.11.
Variant type: single nucleotide variant.
Coding change: c.6122C>T on transcript NM_138927.4 (MANE Select); coding-DNA position 6122, C replaced by T.
Protein change: p.Ser2041Phe; replaces serine 2041 with phenylalanine.
Molecular consequence: missense variant. On other transcripts: non-coding transcript variant (1), intron variant (1).
Genome position (GRCh38, 1-based): chr21:33,555,353, C>T. VCF-style: chr21-33555353-C-T. GRCh37 (hg19) VCF-style: chr21-34927659-C-T.
Other names: c.6122C>T, p.Ser2041Phe (NM_001291411.2, NM_001412133.1, NM_032195.3 and 2 more transcripts); c.245-1803C>T (NM_001291412.3); short protein forms S2041F.
Identifiers: ClinVar variation 2739604 (VCV002739604.3), dbSNP rs1413583756, ClinGen allele CA410166222.
Genomic context (GRCh38, chr21:33,555,353, plus strand): 5'-GAACACCCTTAAGAAGAAGGTTTAGCAGATCTCCCATCCGTCGTAAAAGATCCAGGTCTT[C>T]TGAACGAGGCAGATCACCCAAACGTCTGACAGATTTGGGTGAGTCATTTTAAAGTTTAAT-3'
Protein context (NP_620305.3, residues 2031-2051): SPIRRKRSRS[Ser2041Phe]ERGRSPKRLT

ClinVar aggregate classification (germline): Uncertain significance (1 of 4 stars; one submission).

Allele frequency attached by ClinVar (database versions not stated): gnomAD 0.00001; gnomAD exomes 0.00001; TOPMed 0.00001.
gnomAD v4.1: 16 of 1,584,730 alleles (0.001%); highest among the groups gnomAD compares: Non-Finnish European, 0.0014%; no homozygotes.

Submission:

Labcorp Genetics (formerly Invitae), Labcorp
Classification: Uncertain significance. Last evaluated: 2023-08-16. Review status: criteria provided, single submitter. Criteria: Invitae Variant Classification Sherloc (09022015). Collection method: clinical testing. Allele origin: germline.
Comment: In summary, the available evidence is currently insufficient to determine the role of this variant in disease. Therefore, it has been classified as a Variant of Uncertain Significance. Experimental studies and prediction algorithms are not available or were not evaluated, and the functional significance of this variant is currently unknown. This variant has not been reported in the literature in individuals affected with SON-related conditions. This variant is not present in population databases (gnomAD no frequency). This sequence change replaces serine, which is neutral and polar, with phenylalanine, which is neutral and non-polar, at codon 2041 of the SON protein (p.Ser2041Phe).